The following is an entry in ClinVar:

ClinVar aggregate classification (germline): Uncertain significance. Review status: criteria provided, multiple submitters, no conflicts (2 of 4 stars). 2 submissions from 2 submitters: Uncertain significance (2). Last evaluated 2025-10-29.

Conditions:
Adams-Oliver syndrome 5 (AOS5). Identifiers: Orphanet 974, MedGen C4014970, MONDO:0014459, OMIM 616028.

Allele frequency attached by ClinVar (database versions not stated): gnomAD exomes below 0.00001; gnomAD 0.00001; TOPMed 0.00001.
gnomAD v4.1: 5 of 1,612,506 alleles (0.00031%); highest among the groups gnomAD compares: Non-Finnish European, 0.00034%; no homozygotes.

Submissions (2):

Labcorp Genetics (formerly Invitae), Labcorp
Classification: Uncertain significance for Adams-Oliver syndrome 5. Last evaluated: 2025-10-29. Review status: criteria provided, single submitter. Criteria: Invitae Variant Classification Sherloc (09022015). Collection method: clinical testing. Allele origin: germline.
Comment: This sequence change replaces arginine, which is basic and polar, with glutamine, which is neutral and polar, at codon 1841 of the NOTCH1 protein (p.Arg1841Gln). This variant is not present in population databases (gnomAD no frequency). This variant has not been reported in the literature in individuals affected with NOTCH1-related conditions. ClinVar contains an entry for this variant (Variation ID: 1310816). Invitae Evidence Modeling of protein sequence and biophysical properties (such as structural, functional, and spatial information, amino acid conservation, physicochemical variation, residue mobility, and thermodynamic stability) indicates that this missense variant is not expected to disrupt NOTCH1 protein function with a negative predictive value of 80%. In summary, the available evidence is currently insufficient to determine the role of this variant in disease. Therefore, it has been classified as a Variant of Uncertain Significance.

GeneDx
Classification: Uncertain significance. Last evaluated: 2025-06-22. Review status: criteria provided, single submitter. Criteria: GeneDx Variant Classification Process June 2021. Collection method: clinical testing. Allele origin: germline. Affected: yes.
Comment: Has not been previously published as pathogenic or benign to our knowledge; Not observed at significant frequency in large population cohorts (gnomAD); In silico analysis supports that this missense variant has a deleterious effect on protein structure/function

NM_017617.5(NOTCH1):c.5522G>A (p.Arg1841Gln)

Gene: NOTCH1 (notch receptor 1; minus strand). Cytogenetic location: 9q34.3.
Variant type: single nucleotide variant.
Coding change: c.5522G>A on transcript NM_017617.5 (MANE Select); coding-DNA position 5522, G replaced by A.
Protein change: p.Arg1841Gln; replaces arginine 1841 with glutamine.
Molecular consequence: missense variant.
Genome position (GRCh38, 1-based): chr9:136,501,864, C>T on the plus strand (G>A on the coding strand, the complement: NOTCH1 is on the minus strand). VCF-style: chr9-136501864-C-T. GRCh37 (hg19) VCF-style: chr9-139396316-C-T.
Other names: short protein forms R1841Q.
Identifiers: ClinVar variation 1310816 (VCV001310816.7), dbSNP rs1290643339, ClinGen allele CA375639303.